The following is an entry in ClinVar:

NM_003640.5(ELP1):c.216_217del (p.Gly73fs)

Gene: ELP1 (elongator acetyltransferase complex subunit 1; minus strand). Cytogenetic location: 9q31.3.
Variant type: Deletion.
Coding change: c.216_217del on transcript NM_003640.5 (MANE Select); coding-DNA positions 216 to 217, 2 bases deleted (TG; older notation c.216_217delTG).
Protein change: p.Gly73fs; shifts the reading frame from glycine 73.
Molecular consequence: frameshift variant. On other transcripts: 5 prime UTR variant (2).
Genome position (GRCh38, 1-based): chr9:108,929,855-108,929,856, CA deleted on the plus strand (TG on the coding strand, the reverse complement: ELP1 is on the minus strand). VCF-style (leftmost placement, unchanged base first): chr9-108929854-CCA-C. GRCh37 (hg19) VCF-style: chr9-111692134-CCA-C.
Other names: c.-127_-126del (NM_001318360.2); c.-644_-643del (NM_001330749.2); short protein forms G73fs.
Identifiers: ClinVar variation 4815187 (VCV004815187.1).

ClinVar aggregate classification (germline): Likely pathogenic (1 of 4 stars; one submission).

Conditions:
Familial dysautonomia. Also called: HSAN III; FD. Identifiers: Orphanet 1764, MedGen C0013364, MONDO:0009131, OMIM 223900. Disease mechanism: loss of function.

Submission:

Natera, Inc.
Classification: Likely pathogenic for Familial dysautonomia. Last evaluated: 2024-03-11. Review status: criteria provided, single submitter. Criteria: Natera Variant Classification Schema (03/2026). Collection method: clinical testing. Allele origin: germline.
Comment: The c.216_217delTG variant in ELP1 is a frameshift variant predicted to shift the reading frame beginning at codon 73 and leads to a stop codon 47 codons downstream. This variant is expected to result in nonsense mediated decay, truncation, or a dysfunctional protein product. This variant is rare in the general population with a frequency below the threshold expected for the associated phenotype(s). Given the available evidence, this variant is classified as Likely Pathogenic.